The following is an entry in ClinVar:

NM_001042492.3(NF1):c.7325T>G (p.Leu2442Ter)

Gene: NF1 (neurofibromin 1; plus strand). Cytogenetic location: 17q11.2.
Variant type: single nucleotide variant.
Coding change: c.7325T>G on transcript NM_001042492.3 (MANE Select); coding-DNA position 7325, T replaced by G.
Protein change: p.Leu2442Ter; replaces leucine 2442 with a stop codon.
Molecular consequence: nonsense.
Genome position (GRCh38, 1-based): chr17:31,350,186, T>G. VCF-style: chr17-31350186-T-G. GRCh37 (hg19) VCF-style: chr17-29677204-T-G.
Other names: c.7262T>G, p.Leu2421Ter (NM_000267.4); short protein forms L2421*, L2442*.
Identifiers: ClinVar variation 1362583 (VCV001362583.7), dbSNP rs2151574236, ClinGen allele CA399016951.

ClinVar aggregate classification (germline): Pathogenic. Review status: criteria provided, multiple submitters, no conflicts (2 of 4 stars). 2 submissions from 2 submitters: Pathogenic (2). Last evaluated 2024-03-26.

Conditions:
Neurofibromatosis, type 1 (NF1). Also called: NEUROFIBROMATOSIS, TYPE I, SOMATIC; VON RECKLINGHAUSEN DISEASE; Neurofibromatosis, type I; Peripheral type neurofibromatosis. Identifiers: Orphanet 636, MedGen C0027831, MONDO:0018975, OMIM 162200. Disease mechanism: loss of function.

Submissions (2):

Genomic Medicine Center of Excellence, King Faisal Specialist Hospital and Research Centre
Classification: Pathogenic for Neurofibromatosis, type 1. Last evaluated: 2024-03-26. Review status: criteria provided, single submitter. Criteria: ACMG Guidelines, 2015. Collection method: clinical testing. Allele origin: germline.

Labcorp Genetics (formerly Invitae), Labcorp
Classification: Pathogenic for Neurofibromatosis, type 1. Last evaluated: 2021-11-27. Review status: criteria provided, single submitter. Criteria: Invitae Variant Classification Sherloc (09022015). Collection method: clinical testing. Allele origin: germline.
Comment: This variant has not been reported in the literature in individuals affected with NF1-related conditions. This sequence change creates a premature translational stop signal (p.Leu2421*) in the NF1 gene. It is expected to result in an absent or disrupted protein product. Loss-of-function variants in NF1 are known to be pathogenic (PMID: 10712197, 23913538). This variant is not present in population databases (gnomAD no frequency). For these reasons, this variant has been classified as Pathogenic.

Literature cited by the submitters: PubMed 10712197 (cited by Labcorp Genetics (formerly Invitae), Labcorp); PubMed 23913538 (cited by Labcorp Genetics (formerly Invitae), Labcorp).